The following is an entry in ClinVar:

ClinVar aggregate classification (germline): Pathogenic (1 of 4 stars; one submission).

Conditions:
Primary ciliary dyskinesia 3. Identifiers: Orphanet 244, MedGen C1837618, MONDO:0012085, OMIM 608644.

Submission:

Myriad Genetics, Inc.
Classification: Pathogenic for Primary ciliary dyskinesia 3. Last evaluated: 2024-05-14. Review status: criteria provided, single submitter. Criteria: Myriad Autosomal Dominant, Autosomal Recessive and X-Linked Classification Criteria (2023). Collection method: clinical testing. Allele origin: unknown.
Comment: NM_001369.2(DNAH5):c.9484_9487delGATT(D3162Ifs*11) is expected to be pathogenic in the context of primary ciliary dyskinesia, DNAH5-related. This variant is predicted to lead to an abnormal or absent protein product due to the creation of a premature termination codon in DNAH5, a gene where loss-of-function variants are known to be pathogenic. Please note: this variant was assessed in the context of healthy population screening.

NM_001369.3(DNAH5):c.9484_9487del (p.Asp3162fs)

Gene: DNAH5 (dynein axonemal heavy chain 5; minus strand). Cytogenetic location: 5p15.2.
Variant type: Deletion.
Coding change: c.9484_9487del on transcript NM_001369.3 (MANE Select); coding-DNA positions 9484 to 9487, 4 bases deleted (GATT; older notation c.9484_9487delGATT).
Protein change: p.Asp3162fs; shifts the reading frame from aspartic acid 3162.
Molecular consequence: frameshift variant.
Genome position (GRCh38, 1-based): chr5:13,770,867-13,770,870, AATC deleted on the plus strand (GATT on the coding strand, the reverse complement: DNAH5 is on the minus strand); deleting any 4 consecutive bases within chr5:13,770,867-13,770,872 gives the same sequence; the c. name uses the placement nearest the transcript's 3' end. VCF-style (leftmost placement, unchanged base first): chr5-13770866-TAATC-T. GRCh37 (hg19) VCF-style: chr5-13770975-TAATC-T.
Other names: short protein forms D3162fs.
Identifiers: ClinVar variation 5015846 (VCV005015846.1).